The following is an entry in ClinVar:

NM_003998.4(NFKB1):c.328C>A (p.His110Asn)

Gene: NFKB1 (nuclear factor kappa B subunit 1; plus strand). Cytogenetic location: 4q24.
Variant type: single nucleotide variant.
Coding change: c.328C>A on transcript NM_003998.4 (MANE Select); coding-DNA position 328, C replaced by A.
Protein change: p.His110Asn; replaces histidine 110 with asparagine.
Molecular consequence: missense variant.
Genome position (GRCh38, 1-based): chr4:102,567,056, C>A. VCF-style: chr4-102567056-C-A. GRCh37 (hg19) VCF-style: chr4-103488213-C-A.
Other names: c.325C>A, p.His109Asn (NM_001165412.2, NM_001319226.2, NM_001382627.1); c.328C>A, p.His110Asn (NM_001382625.1, NM_001382626.1); c.286C>A, p.His96Asn (NM_001382628.1); short protein forms H109N, H110N, H96N.
Identifiers: ClinVar variation 2756238 (VCV002756238.3), dbSNP rs2476350791, ClinGen allele CA357958847.

ClinVar aggregate classification (germline): Uncertain significance (1 of 4 stars; one submission).

Submission:

Labcorp Genetics (formerly Invitae), Labcorp
Classification: Uncertain significance. Last evaluated: 2023-08-29. Review status: criteria provided, single submitter. Criteria: Invitae Variant Classification Sherloc (09022015). Collection method: clinical testing. Allele origin: germline.
Comment: In summary, the available evidence is currently insufficient to determine the role of this variant in disease. Therefore, it has been classified as a Variant of Uncertain Significance. Advanced modeling of protein sequence and biophysical properties (such as structural, functional, and spatial information, amino acid conservation, physicochemical variation, residue mobility, and thermodynamic stability) performed at Invitae indicates that this missense variant is expected to disrupt NFKB1 protein function. This variant has not been reported in the literature in individuals affected with NFKB1-related conditions. This variant is not present in population databases (gnomAD no frequency). This sequence change replaces histidine, which is basic and polar, with asparagine, which is neutral and polar, at codon 110 of the NFKB1 protein (p.His110Asn).